The following is an entry in ClinVar:

ClinVar aggregate classification (germline): Likely benign (0 of 4 stars; one submission).

Conditions:
RIPK4-related disorder. Also called: RIPK4-related condition.

Submission:

PreventionGenetics, part of Exact Sciences
Classification: Likely benign for RIPK4-related condition. Last evaluated: 2020-09-11. Review status: no assertion criteria provided. Collection method: clinical testing. Allele origin: germline.
Comment: This variant is classified as likely benign based on ACMG/AMP sequence variant interpretation guidelines (Richards et al. 2015 PMID: 25741868, with internal and published modifications).

NM_020639.3(RIPK4):c.1011A>G (p.Ser337=)

Gene: RIPK4 (receptor interacting serine/threonine kinase 4; minus strand). Cytogenetic location: 21q22.3.
Variant type: single nucleotide variant.
Coding change: c.1011A>G on transcript NM_020639.3 (MANE Select); coding-DNA position 1011, A replaced by G.
Protein change: p.Ser337=; no amino-acid change (serine 337 retained).
Molecular consequence: synonymous variant.
Genome position (GRCh38, 1-based): chr21:41,744,066, T>C on the plus strand (A>G on the coding strand, the complement: RIPK4 is on the minus strand). VCF-style: chr21-41744066-T-C. GRCh37 (hg19) VCF-style: chr21-43164226-T-C.
Identifiers: ClinVar variation 3032960 (VCV003032960.2), dbSNP rs2146046679, ClinGen allele CA512663659.